The following is an entry in ClinVar:

NM_014244.5(ADAMTS2):c.109delinsACTCAGCAGCA (p.Ala37fs)

Gene: ADAMTS2 (ADAM metallopeptidase with thrombospondin type 1 motif 2; minus strand). Cytogenetic location: 5q35.3.
Variant type: Indel.
Coding change: c.109delinsACTCAGCAGCA on transcript NM_014244.5 (MANE Select); coding-DNA position 109, G replaced by ACTCAGCAGCA.
Protein change: p.Ala37fs; shifts the reading frame from alanine 37.
Molecular consequence: frameshift variant.
Genome position (GRCh38, 1-based): chr5:179,345,220, C replaced by TGCTGCTGAGT on the plus strand (G replaced by ACTCAGCAGCA on the coding strand, the reverse complement: ADAMTS2 is on the minus strand). VCF-style: chr5-179345220-C-TGCTGCTGAGT. GRCh37 (hg19) VCF-style: chr5-178772221-C-TGCTGCTGAGT.
Other names: c.109delinsACTCAGCAGCA, p.Ala37fs (NM_021599.4); short protein forms A37fs.
Identifiers: ClinVar variation 5010614 (VCV005010614.1).

ClinVar aggregate classification (germline): Pathogenic (1 of 4 stars; one submission).

Conditions:
Ehlers-Danlos syndrome, dermatosparaxis type. Also called: EDS VIIC; Dermatosparaxis; Ehlers-Danlos syndrome, type VII, autosomal recessive. Identifiers: Orphanet 1901, MedGen C2700425, MONDO:0009161, OMIM 225410.

Submission:

Myriad Genetics, Inc.
Classification: Pathogenic for Ehlers-Danlos syndrome, dermatosparaxis type. Last evaluated: 2024-05-14. Review status: criteria provided, single submitter. Criteria: Myriad Autosomal Dominant, Autosomal Recessive and X-Linked Classification Criteria (2023). Collection method: clinical testing. Allele origin: unknown.
Comment: NM_014244.4(ADAMTS2):c.109del1ins11(A37Tfs*32) is expected to be pathogenic in the context of Ehlers-Danlos syndrome, ADAMTS2-related. This variant is predicted to lead to an abnormal or absent protein product due to the creation of a premature termination codon in ADAMTS2, a gene where loss-of-function variants are known to be pathogenic. Please note: this variant was assessed in the context of healthy population screening.